The following is an entry in ClinVar:

ClinVar aggregate classification (germline): Pathogenic/Likely pathogenic. Review status: criteria provided, multiple submitters, no conflicts (2 of 4 stars). 2 submissions from 2 submitters: Pathogenic (1); Likely pathogenic (1). Last evaluated 2024-02-19.

Conditions:
Propionic acidemia (PROP). Also called: GLYCINEMIA, KETOTIC; HYPERGLYCINEMIA WITH KETOACIDOSIS AND LEUKOPENIA; KETOTIC HYPERGLYCINEMIA. Identifiers: Orphanet 35, MedGen C0268579, MONDO:0011628, OMIM 606054, HP:0003571.

Submissions (2):

Baylor Genetics
Classification: Likely pathogenic for Propionic acidemia. Last evaluated: 2024-02-19. Review status: criteria provided, single submitter. Criteria: ACMG Guidelines, 2015. Collection method: clinical testing. Allele origin: unknown.

Myriad Genetics, Inc.
Classification: Pathogenic for Propionic acidemia. Last evaluated: 2023-11-15. Review status: criteria provided, single submitter. Criteria: Myriad Autosomal Dominant, Autosomal Recessive and X-Linked Classification Criteria (2023). Collection method: clinical testing. Allele origin: unknown.
Comment: NM_000282.3(PCCA):c.330_333delCTGT(C111Lfs*72) is expected to be pathogenic in the context of PCCA-related propionic acidemia. This variant is predicted to lead to an abnormal or absent protein product due to the creation of a premature termination codon in PCCA, a gene where loss-of-function variants are known to be pathogenic. Please note: this variant was assessed in the context of healthy population screening.

NM_000282.4(PCCA):c.330_333del (p.Cys111fs)

Gene: PCCA (propionyl-CoA carboxylase subunit alpha; plus strand). Cytogenetic location: 13q32.3.
Variant type: Microsatellite.
Coding change: c.330_333del on transcript NM_000282.4 (MANE Select); coding-DNA positions 330 to 333, 4 bases deleted (CTGT; older notation c.330_333delCTGT).
Protein change: p.Cys111fs; shifts the reading frame from cysteine 111.
Molecular consequence: frameshift variant. On other transcripts: 5 prime UTR variant (3), non-coding transcript variant (5).
Genome position (GRCh38, 1-based): chr13:100,155,008-100,155,011, CTGT deleted; deleting any 4 consecutive bases within chr13:100,155,004-100,155,011 gives the same sequence; the c. name uses the placement nearest the transcript's 3' end. VCF-style (leftmost placement, unchanged base first): chr13-100155003-GCTGT-G. GRCh37 (hg19) VCF-style: chr13-100807257-GCTGT-G.
Other names: c.252_255del, p.Cys85fs (NM_001352607.2, NM_001352608.2, NM_001127692.3); c.330_333del, p.Cys111fs (NM_001352609.2, NM_001178004.2, NM_001352605.2 and 1 more transcripts); c.-541CTGT[1] (NM_001352610.2, NM_001352611.2, NM_001352612.2); short protein forms C111fs, C85fs.
Identifiers: ClinVar variation 3240033 (VCV003240033.2), dbSNP rs2542865904.